The following is an entry in ClinVar:

NM_000038.6(APC):c.3184del (p.Gln1062fs)

Gene: APC (APC regulator of Wnt signaling pathway; plus strand). Cytogenetic location: 5q22.2.
Variant type: Deletion.
Coding change: c.3184del on transcript NM_000038.6 (MANE Select); coding-DNA position 3184, one base deleted (C; older notation c.3184delC).
Protein change: p.Gln1062fs; shifts the reading frame from glutamine 1062.
Molecular consequence: frameshift variant.
Genome position (GRCh38, 1-based): chr5:112,838,778, C deleted. VCF-style (leftmost placement, unchanged base first): chr5-112838777-AC-A. GRCh37 (hg19) VCF-style: chr5-112174474-AC-A.
Other names: c.3184del, p.Gln1062fs (NM_001127510.3, NM_001354895.2); c.3130del, p.Gln1044fs (NM_001127511.3); c.3238del, p.Gln1080fs (NM_001354896.2); c.3214del, p.Gln1072fs (NM_001354897.2); c.3109del, p.Gln1037fs (NM_001354898.2); c.3100del, p.Gln1034fs (NM_001354899.2); c.3061del, p.Gln1021fs (NM_001354900.2); c.3007del, p.Gln1003fs (NM_001354901.2); and 5 more; short protein forms Q1021fs, Q1044fs, Q936fs, Q1037fs, Q1062fs, Q1080fs, Q902fs, Q961fs.
Identifiers: ClinVar variation 959323 (VCV000959323.11), dbSNP rs1765356292, ClinGen allele CA1139655918.

ClinVar aggregate classification (germline): Pathogenic (1 of 4 stars; one submission).

Conditions:
Familial adenomatous polyposis 1 (FAP1). Also called: POLYPOSIS, ADENOMATOUS INTESTINAL; FAMILIAL ADENOMATOUS POLYPOSIS 1, ATTENUATED. Identifiers: MedGen C2713442, MONDO:0021056, OMIM 175100. Disease mechanism: loss of function.

Submission:

Labcorp Genetics (formerly Invitae), Labcorp
Classification: Pathogenic for Familial adenomatous polyposis 1. Last evaluated: 2019-08-11. Review status: criteria provided, single submitter. Criteria: Invitae Variant Classification Sherloc (09022015). Collection method: clinical testing. Allele origin: germline.
Comment: This variant is not present in population databases (ExAC no frequency). This variant is expected to disrupt the EB1 and HDLG binding sites, which mediate interactions with the cytoskeleton (PMID: 15311282, 17293347). While functional studies have not been performed to directly test the effect on APC protein function, this suggests that disruption of the C-terminal portion of the protein is functionally important. For these reasons, this variant has been classified as Pathogenic. A different truncation (p.Tyr2645Lysfs*14) that lies downstream of this variant has been determined to be pathogenic (PMID: 9824584, 1316610, 27081525, 8381579, 22135120, Invitae). This suggests that deletion of this region of the APC protein is causative of disease This variant has not been reported in the literature in individuals with APC-related conditions. This sequence change results in a premature translational stop signal in the APC gene (p.Gln1062Lysfs*64). While this is not anticipated to result in nonsense mediated decay, it is expected to disrupt the last 1782 amino acids of the APC protein.

Literature cited by the submitters: PubMed 15311282; PubMed 17293347; PubMed 9824584; PubMed 1316610; PubMed 27081525; PubMed 8381579; PubMed 22135120.